The following is an entry in ClinVar:

ClinVar aggregate classification (germline): Uncertain significance (1 of 4 stars; one submission).

Submission:

GeneDx
Classification: Uncertain significance. Last evaluated: 2020-10-26. Review status: criteria provided, single submitter. Criteria: GeneDx Variant Classification Process June 2021. Collection method: clinical testing. Allele origin: germline. Affected: yes.
Comment: Has not been previously published as pathogenic or benign to our knowledge; In silico analysis supports that this missense variant has a deleterious effect on protein structure/function; Not observed in large population cohorts (Lek 2016)

NM_020937.4(FANCM):c.5129C>A (p.Ser1710Tyr)

Gene: FANCM (FA complementation group M; plus strand). Cytogenetic location: 14q21.2.
Variant type: single nucleotide variant.
Coding change: c.5129C>A on transcript NM_020937.4 (MANE Select); coding-DNA position 5129, C replaced by A.
Protein change: p.Ser1710Tyr; replaces serine 1710 with tyrosine.
Molecular consequence: missense variant.
Genome position (GRCh38, 1-based): chr14:45,189,151, C>A. VCF-style: chr14-45189151-C-A. GRCh37 (hg19) VCF-style: chr14-45658354-C-A.
Other names: c.5051C>A, p.Ser1684Tyr (NM_001308133.2); short protein forms S1684Y, S1710Y.
Identifiers: ClinVar variation 1313633 (VCV001313633.2), dbSNP rs2139297253, ClinGen allele CA389612563.
Genomic context (GRCh38, chr14:45,189,151, plus strand): 5'-TTAACCCAAGCACTGTTAAGAAGAACAAACAACAGGACCATTGTTTAAATTCAGTGCCTT[C>A]TGGATCTTCTGCGCAGTCCAAGGTGCGTTCTACTCCAAGAGTTAATCCATTAGCAAAGCA-3'
Protein context (NP_065988.1, residues 1700-1720): QQDHCLNSVP[Ser1710Tyr]GSSAQSKVRS